The following is an entry in ClinVar:

NM_001375567.1(FOCAD):c.1721C>G (p.Ser574Trp)

Gene: FOCAD (focadhesin; plus strand). Cytogenetic location: 9p21.3.
Variant type: single nucleotide variant.
Coding change: c.1721C>G on transcript NM_001375567.1 (MANE Select); coding-DNA position 1721, C replaced by G.
Protein change: p.Ser574Trp; replaces serine 574 with tryptophan.
Molecular consequence: missense variant.
Genome position (GRCh38, 1-based): chr9:20,820,999, C>G. VCF-style: chr9-20820999-C-G. GRCh37 (hg19) VCF-style: chr9-20820998-C-G.
Other names: c.1616C>G, p.Ser539Trp (NM_001375568.1, NM_001375570.1); c.1721C>G, p.Ser574Trp (NM_017794.5); short protein forms S539W, S574W.
Identifiers: ClinVar variation 3032471 (VCV003032471.2), dbSNP rs757340789, ClinGen allele CA373048364.
Genomic context (GRCh38, chr9:20,820,999, plus strand): 5'-AGGACCGAGTCTATCCTGAACTGCAGCGTTTCATGGCTGTGTCTGATGTACCTTCTCTTT[C>G]GGTGGGCAAGGAAGTCCAATGGGAGAAACTGATTGCAAAAGCAGCATCAATCAGAGATAT-3'
Protein context (NP_001362496.1, residues 564-584): FMAVSDVPSL[Ser574Trp]VGKEVQWEKL

ClinVar aggregate classification (germline): Uncertain significance (0 of 4 stars; one submission).

Conditions:
FOCAD-related disorder. Also called: FOCAD-related condition.

Submission:

PreventionGenetics, part of Exact Sciences
Classification: Uncertain significance for FOCAD-related condition. Last evaluated: 2023-12-20. Review status: no assertion criteria provided. Collection method: clinical testing. Allele origin: germline.
Comment: The FOCAD c.1721C>G variant is predicted to result in the amino acid substitution p.Ser574Trp. To our knowledge, this variant has not been reported in the literature or in a large population database, indicating this variant is rare. At this time, the clinical significance of this variant is uncertain due to the absence of conclusive functional and genetic evidence.